The following is an entry in ClinVar:

NM_000059.4(BRCA2):c.4099A>C (p.Lys1367Gln)

Gene: BRCA2 (BRCA2 DNA repair associated; plus strand). Cytogenetic location: 13q13.1.
Variant type: single nucleotide variant.
Coding change: c.4099A>C on transcript NM_000059.4 (MANE Select); coding-DNA position 4099, A replaced by C.
Protein change: p.Lys1367Gln; replaces lysine 1367 with glutamine.
Molecular consequence: missense variant.
Genome position (GRCh38, 1-based): chr13:32,338,454, A>C. VCF-style: chr13-32338454-A-C. GRCh37 (hg19) VCF-style: chr13-32912591-A-C.
Other names: c.4099A>C, p.Lys1367Gln (NM_001406719.1, NM_001406720.1); short protein forms K1367Q.
Identifiers: ClinVar variation 1954608 (VCV001954608.10), dbSNP rs2137502904, ClinGen allele CA387779245.

ClinVar aggregate classification (germline): Conflicting classifications of pathogenicity. Review status: criteria provided, conflicting classifications (1 of 4 stars). 5 submissions from 5 submitters: Uncertain significance (4); Likely benign (1). Last evaluated 2024-12-15.

Conditions:
Hereditary cancer-predisposing syndrome. Also called: Hereditary neoplastic syndrome; Tumor predisposition; Hereditary Cancer Syndrome; Neoplastic Syndromes, Hereditary. Identifiers: Orphanet 140162, MedGen C0027672, MeSH D009386, MONDO:0015356.
Hereditary breast ovarian cancer syndrome. Also called: Hereditary breast and ovarian cancer syndrome (HBOC); Hereditary breast and ovarian cancer; Hereditary breast and/or ovarian cancer syndrome; BRCA1- and BRCA2-Associated Hereditary Breast and Ovarian Cancer; Hereditary breast and ovarian cancer syndrome; Breast and ovarian cancer. Identifiers: Orphanet 145, MedGen C0677776, MeSH D061325, MONDO:0003582. Disease mechanism: loss of function.

Submissions (5):

Ambry Genetics
Classification: Uncertain significance for Hereditary cancer-predisposing syndrome. Last evaluated: 2024-12-15. Review status: criteria provided, single submitter. Criteria: Ambry Variant Classification Scheme 2023. Collection method: clinical testing. Allele origin: germline.
Comment: The p.K1367Q variant (also known as c.4099A>C), located in coding exon 10 of the BRCA2 gene, results from an A to C substitution at nucleotide position 4099. The lysine at codon 1367 is replaced by glutamine, an amino acid with similar properties. This amino acid position is conserved. In addition, this alteration is predicted to be tolerated by in silico analysis. Based on the available evidence, the clinical significance of this variant remains unclear.

Women's Health and Genetics/Laboratory Corporation of America, LabCorp
Classification: Uncertain significance. Last evaluated: 2024-04-08. Review status: criteria provided, single submitter. Criteria: LabCorp Variant Classification Summary - May 2015. Collection method: clinical testing. Allele origin: germline.

Labcorp Genetics (formerly Invitae), Labcorp
Classification: Uncertain significance for Hereditary breast ovarian cancer syndrome. Last evaluated: 2023-09-03. Review status: criteria provided, single submitter. Criteria: Invitae Variant Classification Sherloc (09022015). Collection method: clinical testing. Allele origin: germline.
Comment: This sequence change replaces lysine, which is basic and polar, with glutamine, which is neutral and polar, at codon 1367 of the BRCA2 protein (p.Lys1367Gln). In summary, the available evidence is currently insufficient to determine the role of this variant in disease. Therefore, it has been classified as a Variant of Uncertain Significance. Advanced modeling of protein sequence and biophysical properties (such as structural, functional, and spatial information, amino acid conservation, physicochemical variation, residue mobility, and thermodynamic stability) performed at Invitae indicates that this missense variant is not expected to disrupt BRCA2 protein function. ClinVar contains an entry for this variant (Variation ID: 1954608). This variant has not been reported in the literature in individuals affected with BRCA2-related conditions. This variant is not present in population databases (gnomAD no frequency).

Quest Diagnostics Nichols Institute San Juan Capistrano
Classification: Uncertain significance. Last evaluated: 2023-08-08. Review status: criteria provided, single submitter. Criteria: Quest Diagnostics criteria. Collection method: clinical testing. Allele origin: unknown.
Comment: This variant has not been reported in the published literature. It also has not been reported in large, multi-ethnic general populations (Genome Aggregation Database). Analysis of this variant using bioinformatics tools for the prediction of the effect of amino acid changes on protein structure and function yielded conflicting predictions that this variant is benign or damaging. Based on the available information, we are unable to determine the clinical significance of this variant.

University of Washington Department of Laboratory Medicine, University of Washington
Classification: Likely benign for Hereditary cancer-predisposing syndrome. Last evaluated: 2023-03-23. Review status: criteria provided, single submitter. Criteria: Dines et al. (Genet Med. 2020). Collection method: curation. Allele origin: germline.
Comment: Missense variant in a coldspot region where missense variants are very unlikely to be pathogenic (PMID:31911673).

BRCA2 exon 11 coldspot. Reclassification based on statistical prior probability.

Literature cited by the submitters: PubMed 31911673 (cited by Quest Diagnostics Nichols Institute San Juan Capistrano).